The following is an entry in ClinVar:

NM_007294.4(BRCA1):c.1813G>C (p.Ala605Pro)

Gene: BRCA1 (BRCA1 DNA repair associated; minus strand). Cytogenetic location: 17q21.31.
Variant type: single nucleotide variant.
Coding change: c.1813G>C on transcript NM_007294.4 (MANE Select); coding-DNA position 1813, G replaced by C.
Protein change: p.Ala605Pro; replaces alanine 605 with proline.
Molecular consequence: missense variant. On other transcripts: intron variant (137).
Genome position (GRCh38, 1-based): chr17:43,093,718, C>G on the plus strand (G>C on the coding strand, the complement: BRCA1 is on the minus strand). VCF-style: chr17-43093718-C-G. GRCh37 (hg19) VCF-style: chr17-41245735-C-G.
Other names: c.1600G>C, p.Ala534Pro (NM_001407895.1, NM_001407896.1, NM_001407897.1 and 9 more transcripts); c.1603G>C, p.Ala535Pro (NM_001407900.1, NM_001407902.1, NM_001407904.1 and 13 more transcripts); c.1690G>C, p.Ala564Pro (NM_001407919.1, NM_001407937.1, NM_001407938.1 and 19 more transcripts); c.1549G>C, p.Ala517Pro (NM_001407920.1, NM_001407921.1, NM_001407922.1 and 9 more transcripts); c.1546G>C, p.Ala516Pro (NM_001407930.1, NM_001407931.1, NM_001407932.1 and 2 more transcripts); c.1687G>C, p.Ala563Pro (NM_001407940.1, NM_001407941.1, NM_001407649.1 and 11 more transcripts); c.1672G>C, p.Ala558Pro (NM_001407942.1, NM_001407944.1, NM_001407945.1 and 29 more transcripts); c.1669G>C, p.Ala557Pro (NM_001407943.1, NM_001407964.1, NM_001407740.1 and 20 more transcripts); and 40 more; short protein forms A605P, A558P, A309P, A493P, A602P, A604P, A535P, A537P.
Identifiers: ClinVar variation 619785 (VCV000619785.18), dbSNP rs587781613, ClinGen allele CA10598390.

ClinVar aggregate classification (germline): Conflicting classifications of pathogenicity. Review status: criteria provided, conflicting classifications (1 of 4 stars). 5 submissions from 5 submitters: Uncertain significance (4); Likely benign (1). Last evaluated 2025-08-07.

Conditions:
Hereditary breast ovarian cancer syndrome. Also called: Hereditary breast and ovarian cancer; Hereditary breast and ovarian cancer syndrome (HBOC); Breast and ovarian cancer; BRCA1- and BRCA2-Associated Hereditary Breast and Ovarian Cancer; Hereditary breast and/or ovarian cancer syndrome; Hereditary breast and ovarian cancer syndrome. Identifiers: Orphanet 145, MedGen C0677776, MeSH D061325, MONDO:0003582. Disease mechanism: loss of function.
Hereditary cancer-predisposing syndrome. Also called: Neoplastic Syndromes, Hereditary; Hereditary neoplastic syndrome; Tumor predisposition; Hereditary Cancer Syndrome. Identifiers: Orphanet 140162, MedGen C0027672, MeSH D009386, MONDO:0015356.

Allele frequency attached by ClinVar (database versions not stated): gnomAD exomes below 0.00001.
gnomAD v4.1: 1 of 1,614,000 alleles (0.000062%); highest among the groups gnomAD compares: Admixed American, 0.0017%; no homozygotes.

Submissions (5):

Labcorp Genetics (formerly Invitae), Labcorp
Classification: Uncertain significance for Hereditary breast ovarian cancer syndrome. Last evaluated: 2025-08-07. Review status: criteria provided, single submitter. Criteria: Invitae Variant Classification Sherloc (09022015). Collection method: clinical testing. Allele origin: germline.
Comment: This sequence change replaces alanine, which is neutral and non-polar, with proline, which is neutral and non-polar, at codon 605 of the BRCA1 protein (p.Ala605Pro). This variant is not present in population databases (gnomAD no frequency). This variant has not been reported in the literature in individuals affected with BRCA1-related conditions. ClinVar contains an entry for this variant (Variation ID: 619785). Invitae Evidence Modeling of protein sequence and biophysical properties (such as structural, functional, and spatial information, amino acid conservation, physicochemical variation, residue mobility, and thermodynamic stability) indicates that this missense variant is not expected to disrupt BRCA1 protein function with a negative predictive value of 80%. Experimental studies have shown that this missense change does not substantially affect BRCA1 function (PMID: 32546644). In summary, the available evidence is currently insufficient to determine the role of this variant in disease. Therefore, it has been classified as a Variant of Uncertain Significance.

Ambry Genetics
Classification: Uncertain significance for Hereditary cancer-predisposing syndrome. Last evaluated: 2024-08-09. Review status: criteria provided, single submitter. Criteria: Ambry Variant Classification Scheme 2023. Collection method: clinical testing. Allele origin: germline.
Comment: The p.A605P variant (also known as c.1813G>C), located in coding exon 9 of the BRCA1 gene, results from a G to C substitution at nucleotide position 1813. The alanine at codon 605 is replaced by proline, an amino acid with highly similar properties. This amino acid position is not well conserved in available vertebrate species. In addition, the in silico prediction for this alteration is inconclusive. Based on the available evidence, the clinical significance of this variant remains unclear.

Women's Health and Genetics/Laboratory Corporation of America, LabCorp
Classification: Uncertain significance. Last evaluated: 2024-02-12. Review status: criteria provided, single submitter. Criteria: LabCorp Variant Classification Summary - May 2015. Collection method: clinical testing. Allele origin: germline.
Comment: Variant summary: BRCA1 c.1813G>C (p.Ala605Pro) results in a non-conservative amino acid change in the encoded protein sequence. Four of five in-silico tools predict a benign effect of the variant on protein function. The variant was absent in 251050 control chromosomes (gnomAD). The available data on variant occurrences in the general population are insufficient to allow any conclusion about variant significance. To our knowledge, no occurrence of c.1813G>C in individuals affected with Hereditary Breast And Ovarian Cancer Syndrome has been reported. At least one publication reports experimental evidence evaluating an impact on protein function (Bouwman_2020). These results showed no damaging effect of this variant on the ability to complement BRCA1-deficient mouse embryonic stem cells in homologous recombination DNA repair (HRR) using cisplatin and olaparib sensitivity assays and a direct GFP HRR assay. The following publication has been ascertained in the context of this evaluation (PMID: 32546644). ClinVar contains an entry for this variant (Variation ID: 619785). Based on the evidence outlined above, the variant was classified as uncertain significance.

University of Washington Department of Laboratory Medicine, University of Washington
Classification: Likely benign for Hereditary cancer-predisposing syndrome. Last evaluated: 2023-03-23. Review status: criteria provided, single submitter. Criteria: Dines et al. (Genet Med. 2020). Collection method: curation. Allele origin: germline.
Comment: Missense variant in a coldspot region where missense variants are very unlikely to be pathogenic (PMID:31911673).

BRCA1 coldspot (exon 11 using historical exon numbering). Reclassification based on statistical prior probability

Quest Diagnostics Nichols Institute San Juan Capistrano
Classification: Uncertain significance. Last evaluated: 2018-06-15. Review status: criteria provided, single submitter. Criteria: Quest Diagnostics criteria. Collection method: clinical testing. Allele origin: germline.

Literature cited by the submitters: PubMed 32546644 (cited by Labcorp Genetics (formerly Invitae), Labcorp and Women's Health and Genetics/Laboratory Corporation of America, LabCorp).